The following is an entry in ClinVar:

ClinVar aggregate classification (germline): Uncertain significance (1 of 4 stars; one submission).

Conditions:
Hereditary cancer-predisposing syndrome. Also called: Neoplastic Syndromes, Hereditary; Tumor predisposition; Hereditary neoplastic syndrome; Hereditary Cancer Syndrome. Identifiers: Orphanet 140162, MedGen C0027672, MeSH D009386, MONDO:0015356.

Allele frequency attached by ClinVar (database versions not stated): gnomAD exomes below 0.00001 and 0.00001.

Submission:

Ambry Genetics
Classification: Uncertain significance for Hereditary cancer-predisposing syndrome. Last evaluated: 2024-02-27. Review status: criteria provided, single submitter. Criteria: Ambry Variant Classification Scheme 2023. Collection method: clinical testing. Allele origin: germline.
Comment: The p.F115C variant (also known as c.344T>G), located in coding exon 3 of the XRCC2 gene, results from a T to G substitution at nucleotide position 344. The phenylalanine at codon 115 is replaced by cysteine, an amino acid with highly dissimilar properties. This amino acid position is not well conserved in available vertebrate species. In addition, the in silico prediction for this alteration is inconclusive. Since supporting evidence is limited at this time, the clinical significance of this alteration remains unclear.

NM_005431.2(XRCC2):c.344T>G (p.Phe115Cys)

Gene: XRCC2 (X-ray repair cross complementing 2; minus strand). Cytogenetic location: 7q36.1.
Variant type: single nucleotide variant.
Coding change: c.344T>G on transcript NM_005431.2 (MANE Select); coding-DNA position 344, T replaced by G.
Protein change: p.Phe115Cys; replaces phenylalanine 115 with cysteine.
Molecular consequence: missense variant.
Genome position (GRCh38, 1-based): chr7:152,649,141, A>C on the plus strand (T>G on the coding strand, the complement: XRCC2 is on the minus strand). VCF-style: chr7-152649141-A-C. GRCh37 (hg19) VCF-style: chr7-152346226-A-C.
Other names: short protein forms F115C.
Identifiers: ClinVar variation 823787 (VCV000823787.4), dbSNP rs1326222279, ClinGen allele CA370198904.